The following is an entry in ClinVar:

ClinVar aggregate classification (germline): Uncertain significance. Review status: criteria provided, multiple submitters, no conflicts (2 of 4 stars). 2 submissions from 2 submitters: Uncertain significance (2). Last evaluated 2025-01-21.

Conditions:
Hereditary cancer-predisposing syndrome. Also called: Hereditary neoplastic syndrome; Hereditary Cancer Syndrome; Neoplastic Syndromes, Hereditary; Tumor predisposition. Identifiers: Orphanet 140162, MedGen C0027672, MeSH D009386, MONDO:0015356.

Submissions (2):

Ambry Genetics
Classification: Uncertain significance for Hereditary cancer-predisposing syndrome. Last evaluated: 2025-01-21. Review status: criteria provided, single submitter. Criteria: Ambry Variant Classification Scheme 2023. Collection method: clinical testing. Allele origin: germline.
Comment: The p.G74A variant (also known as c.221G>C), located in coding exon 3 of the PMS2 gene, results from a G to C substitution at nucleotide position 221. The glycine at codon 74 is replaced by alanine, an amino acid with similar properties. This amino acid position is highly conserved in available vertebrate species. In addition, this alteration is predicted to be deleterious by in silico analysis. Based on the available evidence, the clinical significance of this variant remains unclear.

GeneDx
Classification: Uncertain significance. Last evaluated: 2016-03-02. Review status: criteria provided, single submitter. Criteria: GeneDx Variant Classification (06012015). Collection method: clinical testing. Allele origin: germline. Affected: yes.
Comment: This variant is denoted PMS2 c.221G>C at the cDNA level, p.Gly74Ala (G74A) at the protein level, and results in the change of a Glycine to an Alanine (GGG>GCG). This variant has not, to our knowledge, been published in the literature as pathogenic or benign. PMS2 Gly74Ala was not observed in approximately 6,500 individuals of European and African American ancestry in the NHLBI Exome Sequencing Project, suggesting it is not a common benign variant in these populations. Since Glycine and Alanine share similar properties, this is considered a conservative amino acid substitution. PMS2 Gly74Ala occurs at a position that is conserved across species and is located in the ATPase domain (Fukui 2011). In silico analyses predict that this variant is probably damaging to protein structure and function. Based on currently available evidence, it is unclear whether PMS2 Gly74Ala is a pathogenic or benign variant. We consider it to be a variant of uncertain significance.

NM_000535.7(PMS2):c.221G>C (p.Gly74Ala)

Gene: PMS2 (PMS1 homolog 2, mismatch repair system component; minus strand). Cytogenetic location: 7p22.1.
Variant type: single nucleotide variant.
Coding change: c.221G>C on transcript NM_000535.7 (MANE Select); coding-DNA position 221, G replaced by C.
Protein change: p.Gly74Ala; replaces glycine 74 with alanine.
Molecular consequence: missense variant. On other transcripts: 5 prime UTR variant (9), non-coding transcript variant (1).
Genome position (GRCh38, 1-based): chr7:6,004,001, C>G on the plus strand (G>C on the coding strand, the complement: PMS2 is on the minus strand). VCF-style: chr7-6004001-C-G. GRCh37 (hg19) VCF-style: chr7-6043632-C-G.
Other names: c.-185G>C (NM_001322003.2, NM_001322004.2, NM_001322005.2 and 3 more transcripts); c.221G>C, p.Gly74Ala (NM_001322006.2, NM_001322014.2); c.6G>C, p.Trp2Cys (NM_001322007.2, NM_001322008.2); c.-664G>C (NM_001322011.2, NM_001322012.2); c.-264G>C (NM_001322015.2); short protein forms G74A, W2C.
Identifiers: ClinVar variation 234878 (VCV000234878.7), dbSNP rs876661272, ClinGen allele CA10577356.